The following is an entry in ClinVar:

ClinVar aggregate classification (germline): Uncertain significance. Review status: criteria provided, multiple submitters, no conflicts (2 of 4 stars). 2 submissions from 2 submitters: Uncertain significance (2). Last evaluated 2024-07-21.

Conditions:
Brunner syndrome (BRNRS). Identifiers: Orphanet 3057, MedGen C0796275, MONDO:0010379, OMIM 300615.

Allele frequency attached by ClinVar (database versions not stated): TOPMed below 0.00001; ExAC 0.00001; gnomAD 0.00001; gnomAD exomes 0.00002.
gnomAD v4.1: 24 of 1,207,529 alleles (0.002%); highest among the groups gnomAD compares: Non-Finnish European, 0.0027%; no homozygotes.

Submissions (2):

Labcorp Genetics (formerly Invitae), Labcorp
Classification: Uncertain significance for Brunner syndrome. Last evaluated: 2024-07-21. Review status: criteria provided, single submitter. Criteria: Invitae Variant Classification Sherloc (09022015). Collection method: clinical testing. Allele origin: germline.
Comment: This sequence change falls in intron 7 of the MAOA gene. It does not directly change the encoded amino acid sequence of the MAOA protein. This variant is present in population databases (rs755014579, gnomAD 0.004%). This variant has not been reported in the literature in individuals affected with MAOA-related conditions. Algorithms developed to predict the effect of sequence changes on RNA splicing suggest that this variant may create or strengthen a splice site. In summary, the available evidence is currently insufficient to determine the role of this variant in disease. Therefore, it has been classified as a Variant of Uncertain Significance.

Molecular Genetics Lab, CHRU Brest
Classification: Uncertain significance for Brunner syndrome. Review status: criteria provided, single submitter. Criteria: ACMG Guidelines, 2015. Collection method: clinical testing. Allele origin: maternal. Affected: yes.

NM_000240.4(MAOA):c.796-10T>C

Gene: MAOA (monoamine oxidase A; plus strand). Cytogenetic location: Xp11.3.
Variant type: single nucleotide variant.
Coding change: c.796-10T>C on transcript NM_000240.4 (MANE Select); 10 bases into the intron before coding-DNA position 796, T replaced by C.
Molecular consequence: intron variant.
Genome position (GRCh38, 1-based): chrX:43,731,684, T>C. VCF-style: chrX-43731684-T-C. GRCh37 (hg19) VCF-style: chrX-43590931-T-C.
Other names: c.397-10T>C (NM_001270458.2).
Identifiers: ClinVar variation 3024250 (VCV003024250.3), dbSNP rs755014579, ClinGen allele CA10390841.